The following is an entry in ClinVar:

ClinVar aggregate classification (germline): Uncertain significance. Review status: criteria provided, multiple submitters, no conflicts (2 of 4 stars). 4 submissions from 4 submitters: Uncertain significance (4). Last evaluated 2025-03-03.

Conditions:
Schwartz-Jampel syndrome. Also called: Myotonic myopathy dwarfism chondrodystrophy and ocular and facial abnormalities. Identifiers: Orphanet 800, MedGen C0036391, MONDO:0009717.

Allele frequency attached by ClinVar (database versions not stated): gnomAD exomes 0.00003 and 0.00004; ExAC 0.00005; TOPMed 0.00013; gnomAD 0.00015 and 0.00017; ESP Exome Variant Server 0.00023.
gnomAD v4.1: 71 of 1,613,530 alleles (0.0044%); highest among the groups gnomAD compares: African/African-American, 0.031%; 1 homozygote.

Submissions (4):

Labcorp Genetics (formerly Invitae), Labcorp
Classification: Uncertain significance. Last evaluated: 2025-03-03. Review status: criteria provided, single submitter. Criteria: Invitae Variant Classification Sherloc (09022015). Collection method: clinical testing. Allele origin: germline.
Comment: This sequence change replaces arginine, which is basic and polar, with cysteine, which is neutral and slightly polar, at codon 4174 of the HSPG2 protein (p.Arg4174Cys). This variant is present in population databases (rs199899258, gnomAD 0.03%). This variant has not been reported in the literature in individuals affected with HSPG2-related conditions. ClinVar contains an entry for this variant (Variation ID: 585982). An algorithm developed to predict the effect of missense changes on protein structure and function (PolyPhen-2) suggests that this variant is likely to be disruptive. In summary, the available evidence is currently insufficient to determine the role of this variant in disease. Therefore, it has been classified as a Variant of Uncertain Significance.

GeneDx
Classification: Uncertain significance. Last evaluated: 2024-10-04. Review status: criteria provided, single submitter. Criteria: GeneDx Variant Classification Process June 2021. Collection method: clinical testing. Allele origin: germline. Affected: yes.
Comment: In silico analysis supports that this missense variant has a deleterious effect on protein structure/function; Has not been previously published as pathogenic or benign to our knowledge; This variant is associated with the following publications: (PMID: 27766954)

Athena Diagnostics
Classification: Uncertain significance. Last evaluated: 2021-03-16. Review status: criteria provided, single submitter. Criteria: Athena Diagnostics criteria. Collection method: clinical testing. Allele origin: unknown.

Broad Center for Mendelian Genomics, Broad Institute of MIT and Harvard
Classification: Uncertain significance for Schwartz-Jampel syndrome type 1. Last evaluated: 2018-11-15. Review status: criteria provided, single submitter. Criteria: ACMG Guidelines, 2015. Collection method: research. Allele origin: germline. Inheritance: Autosomal recessive inheritance. Affected: yes.
Comment: This variant has been identified in 0.0251% (6/23902) of African chromosomes by the Genome Aggregation Database (gnomAD; dbSNP rs199899258). Although this variant has been seen in the general population, its frequency is low enough to be consistent with a recessive carrier frequency. Computational prediction tools do not provide strong support for or against an impact to the protein. In summary, while there is some suspicion for a pathogenic role, the clinical significance of the p.Arg4174Cys variant is uncertain.

Literature cited by the submitters: PubMed 27766954 (cited by Athena Diagnostics).

NM_005529.7(HSPG2):c.12520C>T (p.Arg4174Cys)

Gene: HSPG2 (heparan sulfate proteoglycan 2; minus strand). Cytogenetic location: 1p36.12.
Variant type: single nucleotide variant.
Coding change: c.12520C>T on transcript NM_005529.7 (MANE Select); coding-DNA position 12520, C replaced by T.
Protein change: p.Arg4174Cys; replaces arginine 4174 with cysteine.
Molecular consequence: missense variant.
Genome position (GRCh38, 1-based): chr1:21,828,042, G>A on the plus strand (C>T on the coding strand, the complement: HSPG2 is on the minus strand). VCF-style: chr1-21828042-G-A. GRCh37 (hg19) VCF-style: chr1-22154535-G-A.
Other names: c.12520C>T (NM_005529.5); c.12523C>T, p.Arg4175Cys (NM_001291860.2); short protein forms R4174C, R4175C.
Identifiers: ClinVar variation 585982 (VCV000585982.8), dbSNP rs199899258, ClinGen allele CA669416.
Genomic context (GRCh38, chr1:21,828,042, plus strand): 5'-CGGGGCCCCAAGACAGAGATGAAGTGGAGAGAAGCCAGGCCTGGGTACCTTGTTGGCAGC[G>A]TGGGCCAGAGAAGCCAGGGAGGCAGAGGCAGCGGGTGCCCTGGCAGGTGCCCCCATGCAG-3'
Protein context (NP_005520.4, residues 4164-4184): CLCLPGFSGP[Arg4174Cys]CQQGSGHGIA